The following is an entry in ClinVar:

NM_001081.4(CUBN):c.10765-10dup

Gene: CUBN (cubilin; minus strand). Cytogenetic location: 10p13.
Variant type: Duplication.
Coding change: c.10765-10dup on transcript NM_001081.4 (MANE Select); 10 bases into the intron before coding-DNA position 10765, one base duplicated (T; older notation c.10765-10dupT).
Molecular consequence: intron variant.
Genome position (GRCh38, 1-based): chr10:16,825,092, A duplicated on the plus strand (T on the coding strand, the reverse complement: CUBN is on the minus strand); the first of 9 consecutive A bases (chr10:16,825,092-16,825,100); duplicating any one gives the same sequence. VCF-style (leftmost placement, unchanged base first): chr10-16825091-G-GA. GRCh37 (hg19) VCF-style: chr10-16867090-G-GA.
Other names: p.?.
Identifiers: ClinVar variation 2082289 (VCV002082289.5), dbSNP rs199737327, ClinGen allele CA5422291.
Genomic context (GRCh38, chr10:16,825,091, plus strand): 5'-ATTTTATGAAGACCTGATTTGAGGAAGCCACGAAGGGAGCTATGCTGGTGTCCTAAAATT[G>GA]AAAAAAAAAGTATCCAATTATATATTTCACATATTTGAACGTTTTTCTAGGAATGTTAGC-3'

ClinVar aggregate classification (germline): Likely benign. Review status: criteria provided, multiple submitters, no conflicts (2 of 4 stars). 2 submissions from 2 submitters: Likely benign (2). Last evaluated 2025-05-13.

Conditions:
Imerslund-Grasbeck syndrome. Also called: Imerslund-Gräsbeck syndrome; PERNICIOUS ANEMIA, JUVENILE, DUE TO SELECTIVE INTESTINAL MALABSORPTION OF VITAMIN B12, WITH PROTEINURIA; Megaloblastic anemia due to inborn errors of metabolism; ENTEROCYTE COBALAMIN MALABSORPTION; ENTEROCYTE INTRINSIC FACTOR RECEPTOR, DEFECT OF. Identifiers: Orphanet 35858, MedGen C4551825, MONDO:0009853.

Submissions (2):

Mayo Clinic Laboratories, Mayo Clinic
Classification: Likely benign. Last evaluated: 2025-05-13. Review status: criteria provided, single submitter. Criteria: ACMG Guidelines, 2015. Collection method: clinical testing. Allele origin: germline. Observed: 1 variant allele.
Comment: BP4, BP7

Labcorp Genetics (formerly Invitae), Labcorp
Classification: Likely benign for Imerslund-Grasbeck syndrome. Last evaluated: 2025-03-24. Review status: criteria provided, single submitter. Criteria: Invitae Variant Classification Sherloc (09022015). Collection method: clinical testing. Allele origin: germline.